The following is an entry in ClinVar:

ClinVar aggregate classification (germline): Pathogenic (1 of 4 stars; one submission).

Conditions:
Developmental and epileptic encephalopathy, 85, with or without midline brain defects. Also called: EPILEPTIC ENCEPHALOPATHY, EARLY INFANTILE, 85, WITH OR WITHOUT MIDLINE BRAIN DEFECTS. Identifiers: MedGen C5393312, MONDO:0026771, OMIM 301044.

Submission:

Clinical Genetics Laboratory, Skane University Hospital Lund
Classification: Pathogenic for Developmental and epileptic encephalopathy, 85, with or without midline brain defects. Last evaluated: 2025-08-28. Review status: criteria provided, single submitter. Criteria: ACMG Guidelines, 2015. Collection method: clinical testing. Allele origin: de novo. Inheritance: Autosomal dominant inheritance. Affected: yes.
Comment: ACMG criteria used: PVS1, PS2_Moderate, PM2

NM_006306.4(SMC1A):c.550_556del (p.Phe184fs)

Gene: SMC1A (structural maintenance of chromosomes 1A; minus strand). Cytogenetic location: Xp11.22.
Variant type: Deletion.
Coding change: c.550_556del on transcript NM_006306.4 (MANE Select); coding-DNA positions 550 to 556, 7 bases deleted (TTTAATT; older notation c.550_556delTTTAATT).
Protein change: p.Phe184fs; shifts the reading frame from phenylalanine 184.
Molecular consequence: frameshift variant.
Genome position (GRCh38, 1-based): chrX:53,413,291-53,413,297, AATTAAA deleted on the plus strand (TTTAATT on the coding strand, the reverse complement: SMC1A is on the minus strand). VCF-style (leftmost placement, unchanged base first): chrX-53413290-TAATTAAA-T. GRCh37 (hg19) VCF-style: chrX-53440240-TAATTAAA-T.
Other names: c.484_490del, p.Phe162fs (NM_001281463.1); short protein forms F162fs, F184fs.
Identifiers: ClinVar variation 4077103 (VCV004077103.1).